The following is an entry in ClinVar:

NM_001323289.2(CDKL5):c.2377-31T>C

Gene: CDKL5 (cyclin dependent kinase like 5; plus strand). Cytogenetic location: Xp22.13.
Variant type: single nucleotide variant.
Coding change: c.2377-31T>C on transcript NM_001323289.2 (MANE Select); 31 bases into the intron before coding-DNA position 2377, T replaced by C.
Molecular consequence: intron variant.
Genome position (GRCh38, 1-based): chrX:18,625,097, T>C. VCF-style: chrX-18625097-T-C. GRCh37 (hg19) VCF-style: chrX-18643217-T-C.
Other names: c.2377-31T>C (NM_003159.3, NM_001037343.2).
Identifiers: ClinVar variation 156083 (VCV000156083.4), dbSNP rs267608658, ClinGen allele CA199336.

ClinVar aggregate classification (germline): Likely benign. Review status: criteria provided, single submitter (1 of 4 stars). 3 submissions from 2 submitters: Likely benign (1). 2 of the submissions do not count toward it. Last evaluated 2024-09-16.

Conditions:
CDKL5 disorder. Identifiers: MedGen CN296942, MONDO:0100039.

Allele frequency attached by ClinVar (database versions not stated): gnomAD exomes 0.00001 and 0.00003; TOPMed 0.00003; gnomAD 0.00004 and 0.00005.
gnomAD v4.1: 31 of 1,193,965 alleles (0.0026%); highest among the groups gnomAD compares: Admixed American, 0.0044%; no homozygotes.

Submissions (3):

Centre for Population Genomics, CPG
Classification: Likely benign for CDKL5 disorder. Last evaluated: 2024-09-16. Review status: criteria provided, single submitter. Criteria: McKnight et al. (Hum Mutat. 2022). Collection method: curation. Allele origin: germline. Inheritance: X-linked inheritance.
Comment: This variant has been collected from RettBASE and curated to current modified ACMG/AMP criteria. Based on the classification scheme defined by the ClinGen Rett/Angelman-like Expert Panel for Rett/AS-like Disorders Specifications to the ACMG/AMP Variant Interpretation Guidelines VCEP 3.0, this variant is classified as likely benign. At least the following criteria are met: The variant is observed in at least 1 individual with no features of CDKL5 disorder (BS2_Supporting, PMID: 20397747). Synonymous or intronic variant outside donor and acceptor splice regions where splicing prediction algorithms do not support significant splicing alteration (spliceAI score <=0.1) (BP4, BP7).

RettBASE
Classification: Benign. Last evaluated: 2014-05-09. Review status: no assertion criteria provided. Collection method: curation. Allele origin: maternal, unknown. Observed: 4 variant alleles. Not counted in ClinVar's aggregate classification.

RettBASE
No classification provided. Review status: flagged submission. Collection method: not provided. Allele origin: not provided. Not counted in ClinVar's aggregate classification.
ClinVar note: Reason: This record appears to be redundant with a more recent record from the same submitter.
ClinVar note: Notes: SCV000189207 appears to be redundant with SCV000222259.

Literature cited by the submitters: PubMed 20397747 (cited by RettBASE); PubMed 23064044 (cited by RettBASE).